The following is an entry in ClinVar:

ClinVar aggregate classification (germline): Uncertain significance (1 of 4 stars; one submission).

Submission:

Laboratory for Molecular Medicine, Mass General Brigham Personalized Medicine
Classification: Uncertain significance. Last evaluated: 2015-06-24. Review status: criteria provided, single submitter. Criteria: LMM Criteria. Collection method: clinical testing. Allele origin: germline. Observed: 1 variant allele.
Comment: The p.Asp277Glu variant in GPSM2 has not been previously reported in individuals with hearing loss or in large population studies. Computational prediction tool s and conservation analyses do not provide strong support for or against an impa ct to the protein. In summary, the clinical significance of the p.Asp277Glu vari ant is uncertain.

NM_013296.5(GPSM2):c.831C>G (p.Asp277Glu)

Gene: GPSM2 (G protein signaling modulator 2; plus strand). Cytogenetic location: 1p13.3.
Variant type: single nucleotide variant.
Coding change: c.831C>G on transcript NM_013296.5 (MANE Select); coding-DNA position 831, C replaced by G.
Protein change: p.Asp277Glu; replaces aspartic acid 277 with glutamic acid.
Molecular consequence: missense variant.
Genome position (GRCh38, 1-based): chr1:108,901,823, C>G. VCF-style: chr1-108901823-C-G. GRCh37 (hg19) VCF-style: chr1-109444445-C-G.
Other names: c.831C>G, p.Asp277Glu (NM_001321038.2, NM_001321039.3); short protein forms D277E.
Identifiers: ClinVar variation 228729 (VCV000228729.4), dbSNP rs876657828, ClinGen allele CA10576355.